The following is an entry in ClinVar:

NM_000548.5(TSC2):c.5044C>G (p.Leu1682Val)

Gene: TSC2 (TSC complex subunit 2; plus strand). Cytogenetic location: 16p13.3.
Variant type: single nucleotide variant.
Coding change: c.5044C>G on transcript NM_000548.5 (MANE Select); coding-DNA position 5044, C replaced by G.
Protein change: p.Leu1682Val; replaces leucine 1682 with valine.
Molecular consequence: missense variant.
Genome position (GRCh38, 1-based): chr16:2,087,917, C>G. VCF-style: chr16-2087917-C-G. GRCh37 (hg19) VCF-style: chr16-2137918-C-G.
Other names: c.5044C>G (NM_000548.3); c.4843C>G, p.Leu1615Val (NM_001077183.3); c.4975C>G, p.Leu1659Val (NM_001114382.3); c.4735C>G, p.Leu1579Val (NM_001318827.2); c.4699C>G, p.Leu1567Val (NM_001318829.2); c.4312C>G, p.Leu1438Val (NM_001318831.2); c.4876C>G, p.Leu1626Val (NM_001318832.2); c.4846C>G, p.Leu1616Val (NM_001363528.2); and 2 more; short protein forms L1615V, L1616V, L1659V, L1567V, L1682V, L1638V, L1639V, L1438V.
Identifiers: ClinVar variation 1398518 (VCV001398518.9), dbSNP rs1336904838, ClinGen allele CA394311493.
Genomic context (GRCh38, chr16:2,087,917, plus strand): 5'-GGGCAGGGCCAGTTCAACTTTGTCCACGTGATCGTCACCCCGCTGGACTACGAGTGCAAC[C>G]TGGTGTCCCTGCAGTGCAGGAAAGGTAGGGCCGGGTGGGGCCCTGCAGTGCAGGAAAGGT-3'
Protein context (NP_000539.2, residues 1672-1692): IVTPLDYECN[Leu1682Val]VSLQCRKDME

ClinVar aggregate classification (germline): Uncertain significance. Review status: criteria provided, multiple submitters, no conflicts (2 of 4 stars). 2 submissions from 2 submitters: Uncertain significance (2). Last evaluated 2026-02-13.

Conditions:
Tuberous sclerosis 2 (TSC2). Identifiers: Orphanet 805, MedGen C1860707, MONDO:0013199, OMIM 613254.
Hereditary cancer-predisposing syndrome. Also called: Hereditary neoplastic syndrome; Tumor predisposition; Neoplastic Syndromes, Hereditary; Hereditary Cancer Syndrome. Identifiers: Orphanet 140162, MedGen C0027672, MeSH D009386, MONDO:0015356.

gnomAD v4.1: 1 of 1,611,368 alleles (0.000062%); highest among the groups gnomAD compares: South Asian, 0.0011%; no homozygotes.

Submissions (2):

Ambry Genetics
Classification: Uncertain significance for Hereditary cancer-predisposing syndrome. Last evaluated: 2026-02-13. Review status: criteria provided, single submitter. Criteria: Ambry Variant Classification Scheme 2023. Collection method: clinical testing. Allele origin: germline.
Comment: The p.L1682V variant (also known as c.5044C>G), located in coding exon 38 of the TSC2 gene, results from a C to G substitution at nucleotide position 5044. The leucine at codon 1682 is replaced by valine, an amino acid with highly similar properties. This amino acid position is highly conserved in available vertebrate species. In addition, this alteration is predicted to be deleterious by in silico analysis. Based on the available evidence, the clinical significance of this variant remains unclear.

Labcorp Genetics (formerly Invitae), Labcorp
Classification: Uncertain significance for Tuberous sclerosis 2. Last evaluated: 2021-05-31. Review status: criteria provided, single submitter. Criteria: Invitae Variant Classification Sherloc (09022015). Collection method: clinical testing. Allele origin: germline.
Comment: This sequence change replaces leucine with valine at codon 1682 of the TSC2 protein (p.Leu1682Val). The leucine residue is highly conserved and there is a small physicochemical difference between leucine and valine. This variant is not present in population databases (ExAC no frequency). This variant has not been reported in the literature in individuals with TSC2-related conditions. Advanced modeling of protein sequence and biophysical properties (such as structural, functional, and spatial information, amino acid conservation, physicochemical variation, residue mobility, and thermodynamic stability) performed at Invitae indicates that this missense variant is not expected to disrupt TSC2 protein function. In summary, the available evidence is currently insufficient to determine the role of this variant in disease. Therefore, it has been classified as a Variant of Uncertain Significance.